The following is an entry in ClinVar:

ClinVar aggregate classification (germline): Uncertain significance. Review status: criteria provided, multiple submitters, no conflicts (2 of 4 stars). 2 submissions from 2 submitters: Uncertain significance (2). Last evaluated 2025-06-29.

gnomAD v4.1: 106 of 1,613,902 alleles (0.0066%); highest among the groups gnomAD compares: Middle Eastern, 0.016%; no homozygotes.

Submissions (2):

Labcorp Genetics (formerly Invitae), Labcorp
Classification: Uncertain significance. Last evaluated: 2025-06-29. Review status: criteria provided, single submitter. Criteria: Invitae Variant Classification Sherloc (09022015). Collection method: clinical testing. Allele origin: germline.
Comment: This sequence change replaces arginine, which is basic and polar, with histidine, which is basic and polar, at codon 993 of the LTBP4 protein (p.Arg993His). This variant is present in population databases (no rsID available, gnomAD 0.006%). This variant has not been reported in the literature in individuals affected with LTBP4-related conditions. Experimental studies and prediction algorithms are not available or were not evaluated, and the functional significance of this variant is currently unknown. In summary, the available evidence is currently insufficient to determine the role of this variant in disease. Therefore, it has been classified as a Variant of Uncertain Significance.

GeneDx
Classification: Uncertain significance. Last evaluated: 2024-12-16. Review status: criteria provided, single submitter. Criteria: GeneDx Variant Classification Process June 2021. Collection method: clinical testing. Allele origin: germline. Affected: yes.
Comment: Not observed at significant frequency in large population cohorts (gnomAD); In silico analysis indicates that this missense variant does not alter protein structure/function; Has not been previously published as pathogenic or benign to our knowledge

NM_001042545.2(LTBP4):c.2888G>A (p.Arg963His)

Gene: LTBP4 (latent transforming growth factor beta binding protein 4; plus strand). Cytogenetic location: 19q13.2.
Variant type: single nucleotide variant.
Coding change: c.2888G>A on transcript NM_001042545.2 (MANE Select); coding-DNA position 2888, G replaced by A.
Protein change: p.Arg963His; replaces arginine 963 with histidine.
Molecular consequence: missense variant.
Genome position (GRCh38, 1-based): chr19:40,616,964, G>A. VCF-style: chr19-40616964-G-A. GRCh37 (hg19) VCF-style: chr19-41122870-G-A.
Other names: c.3089G>A, p.Arg1030His (NM_001042544.1); c.2978G>A, p.Arg993His (NM_003573.2); short protein forms R1030H, R963H, R993H.
Identifiers: ClinVar variation 3903147 (VCV003903147.2).